The following is an entry in ClinVar:

ClinVar aggregate classification (germline): Pathogenic (1 of 4 stars; one submission).

Conditions:
Developmental and epileptic encephalopathy, 37 (DEE37). Also called: Epileptic encephalopathy, early infantile, 37. Identifiers: MedGen C4310770, MONDO:0014859, OMIM 616981.

Submission:

Labcorp Genetics (formerly Invitae), Labcorp
Classification: Pathogenic for Developmental and epileptic encephalopathy, 37. Last evaluated: 2023-12-17. Review status: criteria provided, single submitter. Criteria: Invitae Variant Classification Sherloc (09022015). Collection method: clinical testing. Allele origin: unknown.
Comment: A gross deletion of the genomic region encompassing the full coding sequence of the FRRS1L gene has been identified. Loss-of-function variants in FRRS1L are known to be pathogenic (PMID: 27236917). The boundaries of this event are unknown as they extend beyond the assayed region for this gene and therefore may encompass additional genes. This variant has not been reported in the literature in individuals affected with FRRS1L-related conditions. For these reasons, this variant has been classified as Pathogenic.

Literature cited by the submitters: PubMed 27236917.

NC_000009.11:g.(?_111899735)_(111929571_?)del

Gene: FRRS1L (ferric chelate reductase 1 like; minus strand). Cytogenetic location: 9q31.3.
Variant type: Deletion.
Identifiers: ClinVar variation 3245267 (VCV003245267.1).